The following is an entry in ClinVar:

NM_005591.4(MRE11):c.142del (p.Gln48fs)

Gene: MRE11 (MRE11 double strand break repair nuclease; minus strand). Cytogenetic location: 11q21.
Variant type: Deletion.
Coding change: c.142del on transcript NM_005591.4 (MANE Select); coding-DNA position 142, one base deleted (C; older notation c.142delC).
Protein change: p.Gln48fs; shifts the reading frame from glutamine 48.
Molecular consequence: frameshift variant.
Genome position (GRCh38, 1-based): chr11:94,490,844, G deleted on the plus strand (C on the coding strand, the reverse complement: MRE11 is on the minus strand); the first of 3 consecutive G bases (chr11:94,490,844-94,490,846); deleting any one gives the same sequence. VCF-style (leftmost placement, unchanged base first): chr11-94490843-TG-T. GRCh37 (hg19) VCF-style: chr11-94224009-TG-T.
Other names: c.142del, p.Gln48fs (NM_001330347.2, NM_005590.4); short protein forms Q48fs.
Identifiers: ClinVar variation 2829469 (VCV002829469.3), dbSNP rs2496652464, ClinGen allele CA2739270761.

ClinVar aggregate classification (germline): Pathogenic (1 of 4 stars; one submission).

Conditions:
Ataxia-telangiectasia-like disorder (ATLD). Identifiers: MedGen C1858391, MONDO:0011457.

Submission:

Labcorp Genetics (formerly Invitae), Labcorp
Classification: Pathogenic for Ataxia-telangiectasia-like disorder. Last evaluated: 2023-01-17. Review status: criteria provided, single submitter. Criteria: Invitae Variant Classification Sherloc (09022015). Collection method: clinical testing. Allele origin: germline.
Comment: This sequence change creates a premature translational stop signal (p.Gln48Argfs*10) in the MRE11 gene. It is expected to result in an absent or disrupted protein product. Loss-of-function variants in MRE11 are known to be pathogenic (PMID: 23080121, 23912341). For these reasons, this variant has been classified as Pathogenic. This variant is not present in population databases (gnomAD no frequency). This variant has not been reported in the literature in individuals affected with MRE11-related conditions.

Literature cited by the submitters: PubMed 23080121; PubMed 23912341.